The following is an entry in ClinVar:

ClinVar aggregate classification (germline): Uncertain significance. Review status: criteria provided, multiple submitters, no conflicts (2 of 4 stars). 3 submissions from 3 submitters: Uncertain significance (3). Last evaluated 2025-07-22.

Conditions:
Juvenile polyposis syndrome (JPS). Identifiers: Orphanet 2929, MedGen C0345893, MONDO:0017380, OMIM 174900.
Hereditary cancer-predisposing syndrome. Also called: Tumor predisposition; Neoplastic Syndromes, Hereditary; Hereditary Cancer Syndrome; Hereditary neoplastic syndrome. Identifiers: Orphanet 140162, MedGen C0027672, MeSH D009386, MONDO:0015356.

Allele frequency attached by ClinVar (database versions not stated): gnomAD exomes below 0.00001 and 0.00001; gnomAD 0.00001; ExAC 0.00002; 1000 Genomes Project 30x 0.00016; 1000 Genomes Project 0.00020.
gnomAD v4.1: 7 of 1,614,082 alleles (0.00043%); highest among the groups gnomAD compares: South Asian, 0.0022%; no homozygotes.

Submissions (3):

Ambry Genetics
Classification: Uncertain significance for Hereditary cancer-predisposing syndrome. Last evaluated: 2025-07-22. Review status: criteria provided, single submitter. Criteria: Ambry Variant Classification Scheme 2023. Collection method: clinical testing. Allele origin: germline.
Comment: The p.I164V variant (also known as c.490A>G), located in coding exon 5 of the BMPR1A gene, results from an A to G substitution at nucleotide position 490. The isoleucine at codon 164 is replaced by valine, an amino acid with highly similar properties. This amino acid position is highly conserved through reptiles, but is not conserved in lower species. In addition, this alteration is predicted to be tolerated by in silico analysis. Based on the available evidence, the clinical significance of this variant remains unclear.

Labcorp Genetics (formerly Invitae), Labcorp
Classification: Uncertain significance for Juvenile polyposis syndrome. Last evaluated: 2024-11-13. Review status: criteria provided, single submitter. Criteria: Invitae Variant Classification Sherloc (09022015). Collection method: clinical testing. Allele origin: germline.
Comment: This sequence change replaces isoleucine, which is neutral and non-polar, with valine, which is neutral and non-polar, at codon 164 of the BMPR1A protein (p.Ile164Val). This variant is present in population databases (rs142965096, gnomAD 0.007%). This variant has not been reported in the literature in individuals affected with BMPR1A-related conditions. ClinVar contains an entry for this variant (Variation ID: 486795). Invitae Evidence Modeling of protein sequence and biophysical properties (such as structural, functional, and spatial information, amino acid conservation, physicochemical variation, residue mobility, and thermodynamic stability) indicates that this missense variant is not expected to disrupt BMPR1A protein function with a negative predictive value of 80%. In summary, the available evidence is currently insufficient to determine the role of this variant in disease. Therefore, it has been classified as a Variant of Uncertain Significance.

Color Diagnostics, LLC DBA Color Health
Classification: Uncertain significance for Hereditary cancer-predisposing syndrome. Last evaluated: 2018-11-21. Review status: criteria provided, single submitter. Criteria: ACMG Guidelines, 2015. Collection method: clinical testing. Allele origin: germline.

Literature cited by the submitters: PubMed 23433720 (cited by Ambry Genetics).

NM_004329.3(BMPR1A):c.490A>G (p.Ile164Val)

Gene: BMPR1A (bone morphogenetic protein receptor type 1A; plus strand). Cytogenetic location: 10q23.2.
Variant type: single nucleotide variant.
Coding change: c.490A>G on transcript NM_004329.3 (MANE Select); coding-DNA position 490, A replaced by G.
Protein change: p.Ile164Val; replaces isoleucine 164 with valine.
Molecular consequence: missense variant.
Genome position (GRCh38, 1-based): chr10:86,900,086, A>G. VCF-style: chr10-86900086-A-G. GRCh37 (hg19) VCF-style: chr10-88659843-A-G.
Other names: short protein forms I164V.
Identifiers: ClinVar variation 486795 (VCV000486795.18), dbSNP rs142965096, ClinGen allele CA5585532.